The following is an entry in ClinVar:

GRCh38/hg38 7q22.1-31.1(chr7:101807149-112414850)x1

Genes: ALKBH4 (alkB homolog 4, lysine demethylase; minus strand), ARMC10 (armadillo repeat containing 10), ATXN7L1 (ataxin 7 like 1; minus strand), BCAP29 (B cell receptor associated protein 29; plus strand), CBLL1 (Cbl proto-oncogene like 1; plus strand) and 289 more. Cytogenetic location: 7q22.1-31.1.
Variant type: copy number loss.
Change: copy number 1 (one copy instead of two) of chr7:101,807,149-112,414,850 (10.61 Mb, GRCh38 coordinates, 1-based), cytogenetic band 7q22.1-31.1.
Identifiers: ClinVar variation 57255 (VCV000057255.1).

ClinVar aggregate classification (germline): Pathogenic (1 of 4 stars; one submission).

Submission:

ISCA site 4
Classification: Pathogenic. Last evaluated: 2011-08-12. Review status: criteria provided, single submitter. Criteria: Kaminsky et al. (Genet Med. 2011). Collection method: clinical testing. Allele origin: unknown. Affected: yes. Observed: 1 variant allele.
Comment: Copy number variation identified through the course of routine clinical cytogenomic testing in postnatal populations. Clinical assertions have been curated as described in Kaminsky et al. 2011.